The following is an entry in ClinVar:

NM_001148.6(ANK2):c.1837C>A (p.Leu613Met)

Gene: ANK2 (ankyrin 2; plus strand). Cytogenetic location: 4q26.
Variant type: single nucleotide variant.
Coding change: c.1837C>A on transcript NM_001148.6 (MANE Select); coding-DNA position 1837, C replaced by A.
Protein change: p.Leu613Met; replaces leucine 613 with methionine.
Molecular consequence: missense variant. On other transcripts: intron variant (10).
Genome position (GRCh38, 1-based): chr4:113,278,514, C>A. VCF-style: chr4-113278514-C-A. GRCh37 (hg19) VCF-style: chr4-114199670-C-A.
Other names: c.1774C>A, p.Leu592Met (NM_001127493.3, NM_001354239.2, NM_001354262.2 and 10 more transcripts); c.1837C>A, p.Leu613Met (NM_001354225.2, NM_001354228.2, NM_001354232.2 and 6 more transcripts); c.1882C>A, p.Leu628Met (NM_001354230.2, NM_001354231.2, NM_001354237.2 and 5 more transcripts); c.1750C>A, p.Leu584Met (NM_001354264.2, NM_001354266.2, NM_001354267.2 and 10 more transcripts); c.1627C>A, p.Leu543Met (NM_001354269.3); c.1639C>A, p.Leu547Met (NM_001354273.2); c.1795C>A, p.Leu599Met (NM_001354261.2, NM_001386147.1, NM_001386160.1); c.1552C>A, p.Leu518Met (NM_001354277.2, NM_001386157.1); and 8 more; short protein forms L592M, L613M, L599M, L543M, L584M, L628M, L518M, L547M.
Identifiers: ClinVar variation 582582 (VCV000582582.7), dbSNP rs780091077, ClinGen allele CA3050385.
Genomic context (GRCh38, chr4:113,278,514, plus strand): 5'-TTACAGAACGGCCTTACCCCGCTCCATGTTGCTGCTCATTATGACAACCAGAAGGTGGCG[C>A]TGCTGTTACTGGAGAAGGGTGCTTCCCCTCATGCCACTGCCAAGGTGAGGACCACAGAAA-3'
Protein context (NP_001139.3, residues 603-623): AAHYDNQKVA[Leu613Met]LLLEKGASPH

ClinVar aggregate classification (germline): Uncertain significance (1 of 4 stars; one submission).

Conditions:
Long QT syndrome (LQTS). Identifiers: MedGen C0023976, MeSH D008133, MONDO:0002442. Disease mechanism: loss of function. Inheritance: Various modes of inheritance.

Allele frequency attached by ClinVar (database versions not stated): gnomAD exomes 0.00002; ExAC 0.00006.
gnomAD v4.1: 13 of 1,614,020 alleles (0.00081%); highest among the groups gnomAD compares: South Asian, 0.011%; no homozygotes.

Submission:

Labcorp Genetics (formerly Invitae), Labcorp
Classification: Uncertain significance for Long QT syndrome. Last evaluated: 2019-04-05. Review status: criteria provided, single submitter. Criteria: Invitae Variant Classification Sherloc (09022015). Collection method: clinical testing. Allele origin: germline.
Comment: This sequence change replaces leucine with methionine at codon 613 of the ANK2 protein (p.Leu613Met). The leucine residue is highly conserved and there is a small physicochemical difference between leucine and methionine. This variant is present in population databases (rs780091077, ExAC 0.04%). This variant has not been reported in the literature in individuals with ANK2-related disease. Algorithms developed to predict the effect of missense changes on protein structure and function do not agree on the potential impact of this missense change (SIFT: "Tolerated"; PolyPhen-2: "Probably Damaging"; Align-GVGD: "Class C0"). In summary, the available evidence is currently insufficient to determine the role of this variant in disease. Therefore, it has been classified as a Variant of Uncertain Significance.